The following is an entry in ClinVar:

ClinVar aggregate classification (germline): Uncertain significance (1 of 4 stars; one submission).

Conditions:
Legius syndrome. Identifiers: Orphanet 137605, MedGen C1969623, MONDO:0012669, OMIM 611431. Disease mechanism: loss of function.

Submission:

Labcorp Genetics (formerly Invitae), Labcorp
Classification: Uncertain significance for Legius syndrome. Last evaluated: 2016-08-18. Review status: criteria provided, single submitter. Criteria: Invitae Variant Classification Sherloc (09022015). Collection method: clinical testing. Allele origin: germline.
Comment: In summary, this variant is a novel missense change that is not predicted to affect protein function. There is no indication that it causes disease, but the available evidence is currently insufficient to prove that conclusively. Therefore, it has been classified as a Variant of Uncertain Significance. Algorithms developed to predict the effect of missense changes on protein structure and function (SIFT, PolyPhen-2, Align-GVGD) all suggest that this variant is likely to be tolerated, but these predictions have not been confirmed by published functional studies. This variant is not present in population databases (ExAC no frequency) and has not been reported in the literature in individuals with a SPRED1-related disease. This sequence change replaces glutamine with lysine at codon 141 of the SPRED1 protein (p.Gln141Lys). The glutamine residue is highly conserved and there is a small physicochemical difference between glutamine and lysine.

NM_152594.3(SPRED1):c.421C>A (p.Gln141Lys)

Gene: SPRED1 (sprouty related EVH1 domain containing 1; plus strand). Cytogenetic location: 15q14.
Variant type: single nucleotide variant.
Coding change: c.421C>A on transcript NM_152594.3 (MANE Select); coding-DNA position 421, C replaced by A.
Protein change: p.Gln141Lys; replaces glutamine 141 with lysine.
Molecular consequence: missense variant.
Genome position (GRCh38, 1-based): chr15:38,324,807, C>A. VCF-style: chr15-38324807-C-A. GRCh37 (hg19) VCF-style: chr15-38617008-C-A.
Other names: short protein forms Q141K.
Identifiers: ClinVar variation 1061484 (VCV001061484.7), dbSNP rs1060502505, ClinGen allele CA391932377.
Genomic context (GRCh38, chr15:38,324,807, plus strand): 5'-TTATCTATTTTCTTAGGATGCCCCGAATCAAAAAATGAAGCTGAAGGGGCAGATGACTTA[C>A]AAGTAAGTAATGGCTTGGAAGGAATTTGTAAACATAAAGGATGTGGAAGAAATCACTAGC-3'
Protein context (NP_689807.1, residues 131-151): KNEAEGADDL[Gln141Lys]ANEEDSSSSL